The following is an entry in ClinVar:

NM_031892.3(SH3KBP1):c.244T>C (p.Ser82Pro)

Gene: SH3KBP1 (SH3 domain containing kinase binding protein 1; minus strand). Cytogenetic location: Xp22.12.
Variant type: single nucleotide variant.
Coding change: c.244T>C on transcript NM_031892.3 (MANE Select); coding-DNA position 244, T replaced by C.
Protein change: p.Ser82Pro; replaces serine 82 with proline.
Molecular consequence: missense variant.
Genome position (GRCh38, 1-based): chrX:19,746,360, A>G on the plus strand (T>C on the coding strand, the complement: SH3KBP1 is on the minus strand). VCF-style: chrX-19746360-A-G. GRCh37 (hg19) VCF-style: chrX-19764478-A-G.
Other names: c.133T>C, p.Ser45Pro (NM_001024666.3); c.244T>C, p.Ser82Pro (NM_001353890.2, NM_001353891.2, NM_001353892.2); c.67T>C, p.Ser23Pro (NM_001353893.2, NM_001353894.2, NM_001353895.2); short protein forms S23P, S82P, S45P.
Identifiers: ClinVar variation 1388665 (VCV001388665.8), dbSNP rs758605591, ClinGen allele CA10364936.
Genomic context (GRCh38, chrX:19,746,360, plus strand): 5'-CTTTTTCCTTTTCCATACCTCTCTTATTGGTTCTTAAAATCGTTTCAGAAGACAGCAAAG[A>G]GTTTCCACTGGGCACTTCGTGCAGGGGCTTTTCTGGAGCTTTGTTGGTGAGAGGGTCTTT-3'
Protein context (NP_114098.1, residues 72-92): KPLHEVPSGN[Ser82Pro]LLSSETILRT

ClinVar aggregate classification (germline): Uncertain significance (1 of 4 stars; one submission).

Allele frequency attached by ClinVar (database versions not stated): gnomAD exomes below 0.00001 and 0.00001; ExAC 0.00001.
gnomAD v4.1: 2 of 1,209,480 alleles (0.00017%); highest among the groups gnomAD compares: Admixed American, 0.0044%; no homozygotes.

Submission:

Labcorp Genetics (formerly Invitae), Labcorp
Classification: Uncertain significance. Last evaluated: 2026-01-08. Review status: criteria provided, single submitter. Criteria: Invitae Variant Classification Sherloc (09022015). Collection method: clinical testing. Allele origin: germline.
Comment: This sequence change replaces serine, which is neutral and polar, with proline, which is neutral and non-polar, at codon 82 of the SH3KBP1 protein (p.Ser82Pro). This variant is present in population databases (rs758605591, gnomAD 0.008%). This variant has not been reported in the literature in individuals affected with SH3KBP1-related conditions. ClinVar contains an entry for this variant (Variation ID: 1388665). Invitae Evidence Modeling of protein sequence and biophysical properties (such as structural, functional, and spatial information, amino acid conservation, physicochemical variation, residue mobility, and thermodynamic stability) indicates that this missense variant is not expected to disrupt SH3KBP1 protein function with a negative predictive value of 80%. In summary, the available evidence is currently insufficient to determine the role of this variant in disease. Therefore, it has been classified as a Variant of Uncertain Significance.